The following is an entry in ClinVar:

NM_001005242.3(PKP2):c.805G>A (p.Gly269Arg)

Gene: PKP2 (plakophilin 2; minus strand). Cytogenetic location: 12p11.21.
Variant type: single nucleotide variant.
Coding change: c.805G>A on transcript NM_001005242.3 (MANE Select); coding-DNA position 805, G replaced by A.
Protein change: p.Gly269Arg; replaces glycine 269 with arginine.
Molecular consequence: missense variant.
Genome position (GRCh38, 1-based): chr12:32,878,075, C>T on the plus strand (G>A on the coding strand, the complement: PKP2 is on the minus strand). VCF-style: chr12-32878075-C-T. GRCh37 (hg19) VCF-style: chr12-33031009-C-T.
Other names: c.805G>A, p.Gly269Arg (NM_004572.4); short protein forms G269R.
Identifiers: ClinVar variation 925290 (VCV000925290.15), dbSNP rs757285245, ClinGen allele CA038888.

ClinVar aggregate classification (germline): Conflicting classifications of pathogenicity. Review status: criteria provided, conflicting classifications (1 of 4 stars). 6 submissions from 6 submitters: Uncertain significance (5); Likely benign (1). Last evaluated 2024-12-07.

Conditions:
Cardiomyopathy (CMYO). Also called: Cardiomyopathies. Identifiers: Orphanet 167848, MedGen C0878544, MONDO:0004994, HP:0001638. Inheritance: Various modes of inheritance.
Arrhythmogenic right ventricular dysplasia 9 (ARVD9). Also called: Arrhythmogenic Right Ventricular Dysplasia/Cardiomyopathy 9; ARRHYTHMOGENIC RIGHT VENTRICULAR DYSPLASIA, FAMILIAL, 9. Identifiers: MedGen C1836906, MONDO:0012180, OMIM 609040.
Arrhythmogenic right ventricular cardiomyopathy (ARVD). Also called: Cardiomyopathy, ARVC; Arrhythmogenic right ventricular dysplasia; Arrhythmogenic cardiomyopathy; Arrhythmogenic Right Ventricular Cardiomyopathy (ARVC). Identifiers: Orphanet 247, MedGen C0349788, MeSH D019571, MONDO:0016587. Disease mechanism: loss of function. Inheritance: Various modes of inheritance.

Allele frequency attached by ClinVar (database versions not stated): ExAC 0.00001; gnomAD exomes 0.00001 and 0.00004; TOPMed 0.00006; gnomAD 0.00015.
gnomAD v4.1: 43 of 1,614,044 alleles (0.0027%); highest among the groups gnomAD compares: Admixed American, 0.043%; no homozygotes.

Submissions (6):

GeneDx
Classification: Uncertain significance. Last evaluated: 2024-12-07. Review status: criteria provided, single submitter. Criteria: GeneDx Variant Classification Process June 2021. Collection method: clinical testing. Allele origin: germline. Affected: yes.
Comment: In silico analysis indicates that this missense variant does not alter protein structure/function; This variant is associated with the following publications: (PMID: 38473714, 22019812)

All of Us Research Program, National Institutes of Health
Classification: Uncertain significance for Arrhythmogenic right ventricular cardiomyopathy. Last evaluated: 2024-08-06. Review status: criteria provided, single submitter. Criteria: ACMG Guidelines, 2015. Collection method: clinical testing. Allele origin: germline. Inheritance: Autosomal dominant inheritance. Observed: 2 variant alleles, 2 heterozygotes.
Comment: This missense variant replaces glycine with arginine at codon 269 of the PKP2 protein. Computational prediction suggests that this variant may not impact protein structure and function (internally defined REVEL score threshold <= 0.5, PMID: 27666373). Splice site prediction tools suggest that this variant may not impact RNA splicing. To our knowledge, functional studies have not been performed for this variant. This variant has not been reported in individuals affected with cardiovascular disorders in the literature. This variant has been identified in 10/251000 chromosomes in the general population by the Genome Aggregation Database (gnomAD). The available evidence is insufficient to determine the role of this variant in disease conclusively. Therefore, this variant is classified as a Variant of Uncertain Significance.

This study involves interpretation of variants in research participants for the purpose of population health screening. Participant phenotype was not available at the time of variant classification. Additional details can be found in publication PMID: 35346344, PMCID: PMC8962531

Color Diagnostics, LLC DBA Color Health
Classification: Uncertain significance for Cardiomyopathy. Last evaluated: 2023-09-06. Review status: criteria provided, single submitter. Criteria: ACMG Guidelines, 2015. Collection method: clinical testing. Allele origin: germline.
Comment: This missense variant replaces glycine with arginine at codon 269 of the PKP2 protein. Computational prediction suggests that this variant may not impact protein structure and function (internally defined REVEL score threshold <= 0.5, PMID: 27666373). To our knowledge, functional studies have not been reported for this variant. This variant has been reported in one individual affected with arrhythmogenic right ventricular cardiomyopathy (PMID: 22019812). This variant has been identified in 10/251000 chromosomes in the general population by the Genome Aggregation Database (gnomAD). The available evidence is insufficient to determine the role of this variant in disease conclusively. Therefore, this variant is classified as a Variant of Uncertain Significance.

Blueprint Genetics
Classification: Likely benign. Last evaluated: 2022-12-28. Review status: criteria provided, single submitter. Criteria: ACMG Guidelines, 2015. Collection method: clinical testing. Allele origin: germline.

Labcorp Genetics (formerly Invitae), Labcorp
Classification: Uncertain significance for Arrhythmogenic right ventricular dysplasia 9. Last evaluated: 2021-08-27. Review status: criteria provided, single submitter. Criteria: Invitae Variant Classification Sherloc (09022015). Collection method: clinical testing. Allele origin: germline.
Comment: This sequence change replaces glycine with arginine at codon 269 of the PKP2 protein (p.Gly269Arg). The glycine residue is weakly conserved and there is a moderate physicochemical difference between glycine and arginine. This variant is present in population databases (rs757285245, ExAC 0.002%). This missense change has been observed in individual(s) with arrhythmogenic right ventricular cardiomyopathy (PMID: 22019812). Algorithms developed to predict the effect of missense changes on protein structure and function (SIFT, PolyPhen-2, Align-GVGD) all suggest that this variant is likely to be tolerated. In summary, the available evidence is currently insufficient to determine the role of this variant in disease. Therefore, it has been classified as a Variant of Uncertain Significance.

Fulgent Genetics
Classification: Uncertain significance for Arrhythmogenic right ventricular dysplasia 9. Last evaluated: 2021-08-04. Review status: criteria provided, single submitter. Criteria: ACMG Guidelines, 2015. Collection method: clinical testing. Allele origin: unknown.

Literature cited by the submitters: PubMed 22019812 (cited by Color Diagnostics, LLC DBA Color Health and Labcorp Genetics (formerly Invitae), Labcorp).